The following is an entry in ClinVar:

NM_001009999.3(KDM1A):c.2401G>C (p.Ala801Pro)

Gene: KDM1A (lysine demethylase 1A; plus strand). Cytogenetic location: 1p36.12.
Variant type: single nucleotide variant.
Coding change: c.2401G>C on transcript NM_001009999.3 (MANE Select); coding-DNA position 2401, G replaced by C.
Protein change: p.Ala801Pro; replaces alanine 801 with proline.
Molecular consequence: missense variant.
Genome position (GRCh38, 1-based): chr1:23,082,322, G>C. VCF-style: chr1-23082322-G-C. GRCh37 (hg19) VCF-style: chr1-23408815-G-C.
Other names: c.2347G>C, p.Ala783Pro (NM_001363654.2); c.2407G>C, p.Ala803Pro (NM_001410762.1); c.2329G>C, p.Ala777Pro (NM_001410763.1, NM_015013.4); short protein forms A777P, A803P, A783P, A801P.
Identifiers: ClinVar variation 4622710 (VCV004622710.1).

ClinVar aggregate classification (germline): Uncertain significance (1 of 4 stars; one submission).

Conditions:
Inborn genetic diseases. Identifiers: MedGen C0950123, MeSH D030342.

Submission:

Ambry Genetics
Classification: Uncertain significance for Inborn genetic diseases. Last evaluated: 2025-11-15. Review status: criteria provided, single submitter. Criteria: Ambry Variant Classification Scheme 2023. Collection method: clinical testing. Allele origin: germline.
Comment: The p.A801P variant (also known as c.2401G>C), located in coding exon 20 of the KDM1A gene, results from a G to C substitution at nucleotide position 2401. The alanine at codon 801 is replaced by proline, an amino acid with highly similar properties. This amino acid position is conserved. In addition, this alteration is predicted to be deleterious by in silico analysis. Based on the available evidence, the clinical significance of this variant remains unclear.